The following is an entry in ClinVar:

ClinVar aggregate classification (germline): Uncertain significance. Review status: criteria provided, multiple submitters, no conflicts (2 of 4 stars). 2 submissions from 2 submitters: Uncertain significance (2). Last evaluated 2024-03-28.

Allele frequency attached by ClinVar (database versions not stated): ExAC 0.00001; gnomAD 0.00001 and 0.00002; gnomAD exomes 0.00001.
gnomAD v4.1: 17 of 1,613,552 alleles (0.0011%); highest among the groups gnomAD compares: South Asian, 0.0088%; no homozygotes.

Submissions (2):

Blueprint Genetics
Classification: Uncertain significance. Last evaluated: 2024-03-28. Review status: criteria provided, single submitter. Criteria: ACMG Guidelines, 2015. Collection method: clinical testing. Allele origin: germline.

Labcorp Genetics (formerly Invitae), Labcorp
Classification: Uncertain significance. Last evaluated: 2021-06-22. Review status: criteria provided, single submitter. Criteria: Invitae Variant Classification Sherloc (09022015). Collection method: clinical testing. Allele origin: germline.
Comment: This variant is present in population databases (rs757963300, ExAC 0.006%). In summary, the available evidence is currently insufficient to determine the role of this variant in disease. Therefore, it has been classified as a Variant of Uncertain Significance. Algorithms developed to predict the effect of missense changes on protein structure and function (SIFT, PolyPhen-2, Align-GVGD) all suggest that this variant is likely to be tolerated. This variant has not been reported in the literature in individuals affected with WHRN-related conditions. This sequence change replaces glutamic acid with lysine at codon 436 of the WHRN protein (p.Glu436Lys). The glutamic acid residue is highly conserved and there is a small physicochemical difference between glutamic acid and lysine.

NM_015404.4(WHRN):c.1306G>A (p.Glu436Lys)

Gene: WHRN (whirlin; minus strand). Cytogenetic location: 9q32.
Variant type: single nucleotide variant.
Coding change: c.1306G>A on transcript NM_015404.4 (MANE Select); coding-DNA position 1306, G replaced by A.
Protein change: p.Glu436Lys; replaces glutamic acid 436 with lysine.
Molecular consequence: missense variant.
Genome position (GRCh38, 1-based): chr9:114,424,444, C>T on the plus strand (G>A on the coding strand, the complement: WHRN is on the minus strand). VCF-style: chr9-114424444-C-T. GRCh37 (hg19) VCF-style: chr9-117186724-C-T.
Other names: c.157G>A, p.Glu53Lys (NM_001083885.3); c.1306G>A, p.Glu436Lys (NM_001173425.2); c.253G>A, p.Glu85Lys (NM_001346890.1); short protein forms E53K, E436K, E85K.
Identifiers: ClinVar variation 1396829 (VCV001396829.7), dbSNP rs757963300, ClinGen allele CA5205992.